The following is an entry in ClinVar:

ClinVar aggregate classification (germline): Benign/Likely benign. Review status: criteria provided, multiple submitters, no conflicts (2 of 4 stars). 9 submissions from 9 submitters: Benign (1); Likely benign (8). Last evaluated 2026-01-11.

Conditions:
Mismatch repair cancer syndrome 4. Identifiers: MedGen C5436817, MONDO:0030843, OMIM 619101.
Lynch syndrome 4 (LYNCH4). Also called: Hereditary non-polyposis colorectal cancer, type 4; Colorectal cancer, hereditary nonpolyposis, type 4. Identifiers: Orphanet 144, MedGen C1838333, MONDO:0013699, OMIM 614337. Disease mechanism: loss of function.
Hereditary nonpolyposis colorectal neoplasms. Identifiers: MedGen C0009405, MeSH D003123.
Hereditary cancer-predisposing syndrome. Also called: Hereditary neoplastic syndrome; Neoplastic Syndromes, Hereditary; Tumor predisposition; Hereditary Cancer Syndrome. Identifiers: Orphanet 140162, MedGen C0027672, MeSH D009386, MONDO:0015356.
Lynch syndrome. Identifiers: Orphanet 144, MedGen C4552100, MONDO:0005835. Disease mechanism: loss of function.

Allele frequency attached by ClinVar (database versions not stated): TOPMed below 0.00001; ExAC 0.00001; gnomAD 0.00001.
gnomAD v4.1: 16 of 1,614,016 alleles (0.00099%); highest among the groups gnomAD compares: African/African-American, 0.008%; no homozygotes.

Submissions (9):

Labcorp Genetics (formerly Invitae), Labcorp
Classification: Likely benign for Hereditary nonpolyposis colorectal neoplasms. Last evaluated: 2026-01-11. Review status: criteria provided, single submitter. Criteria: Invitae Variant Classification Sherloc (09022015). Collection method: clinical testing. Allele origin: germline.

Myriad Genetics, Inc.
Classification: Benign for Lynch syndrome 4. Last evaluated: 2025-01-30. Review status: criteria provided, single submitter. Criteria: Myriad Autosomal Dominant, Autosomal Recessive and X-Linked Classification Criteria (2023). Collection method: clinical testing. Allele origin: unknown.
Comment: This variant is considered benign. This variant is a silent/synonymous amino acid change and it is not expected to impact splicing.

All of Us Research Program, National Institutes of Health
Classification: Likely benign for Lynch syndrome. Last evaluated: 2023-07-22. Review status: criteria provided, single submitter. Criteria: ACMG Guidelines, 2015. Collection method: clinical testing. Allele origin: germline. Inheritance: Autosomal dominant inheritance. Observed: 5 variant alleles, 5 heterozygotes.
Comment: This study involves interpretation of variants in research participants for the purpose of population health screening. Participant phenotype was not available at the time of variant classification. Additional details can be found in publication PMID: 35346344, PMCID: PMC8962531

KCCC/NGS Laboratory, Kuwait Cancer Control Center
Classification: Likely benign for Lynch syndrome 4. Last evaluated: 2023-07-07. Review status: criteria provided, single submitter. Criteria: ACMG Guidelines, 2015. Collection method: clinical testing. Allele origin: germline. Affected: yes.

Department of Pathology and Laboratory Medicine, Sinai Health System
Classification: Likely benign for Lynch syndrome 4; Mismatch repair cancer syndrome 4. Last evaluated: 2022-05-31. Review status: criteria provided, single submitter. Criteria: ACMG Guidelines, 2015. Collection method: clinical testing. Allele origin: germline. Affected: yes.

Sema4
Classification: Likely benign for Hereditary cancer-predisposing syndrome. Last evaluated: 2022-02-19. Review status: criteria provided, single submitter. Criteria: Sema4 Curation Guidelines. Collection method: curation. Allele origin: germline.

GeneDx
Classification: Likely benign. Last evaluated: 2019-12-19. Review status: criteria provided, single submitter. Criteria: GeneDx Variant Classification Process June 2021. Collection method: clinical testing. Allele origin: germline. Affected: yes.

Color Diagnostics, LLC DBA Color Health
Classification: Likely benign for Hereditary cancer-predisposing syndrome. Last evaluated: 2018-11-26. Review status: criteria provided, single submitter. Criteria: ACMG Guidelines, 2015. Collection method: clinical testing. Allele origin: germline.

Ambry Genetics
Classification: Likely benign for Hereditary cancer-predisposing syndrome. Last evaluated: 2014-08-11. Review status: criteria provided, single submitter. Criteria: Ambry Variant Classification Scheme 2023. Collection method: clinical testing. Allele origin: germline.

NM_000535.7(PMS2):c.1455G>A (p.Thr485=)

Gene: PMS2 (PMS1 homolog 2, mismatch repair system component; minus strand). Cytogenetic location: 7p22.1.
Variant type: single nucleotide variant.
Coding change: c.1455G>A on transcript NM_000535.7 (MANE Select); coding-DNA position 1455, G replaced by A.
Protein change: p.Thr485=; no amino-acid change (threonine 485 retained).
Molecular consequence: synonymous variant. On other transcripts: non-coding transcript variant (1).
Genome position (GRCh38, 1-based): chr7:5,987,310, C>T on the plus strand (G>A on the coding strand, the complement: PMS2 is on the minus strand). VCF-style: chr7-5987310-C-T. GRCh37 (hg19) VCF-style: chr7-6026941-C-T.
Other names: c.1050G>A, p.Thr350= (NM_001322003.2, NM_001322004.2, NM_001322005.2 and 1 more transcripts); c.1299G>A, p.Thr433= (NM_001322006.2); c.1137G>A, p.Thr379= (NM_001322007.2, NM_001322008.2); c.894G>A, p.Thr298= (NM_001322010.2); c.522G>A, p.Thr174= (NM_001322011.2, NM_001322012.2); c.882G>A, p.Thr294= (NM_001322013.2); c.1455G>A, p.Thr485= (NM_001322014.2); c.1146G>A, p.Thr382= (NM_001322015.2).
Identifiers: ClinVar variation 186053 (VCV000186053.23), dbSNP rs752665758, ClinGen allele CA009703.